The following is an entry in ClinVar:

NM_006270.5(RRAS):c.421G>A (p.Gly141Arg)

Gene: RRAS (RAS related; minus strand). Cytogenetic location: 19q13.33.
Variant type: single nucleotide variant.
Coding change: c.421G>A on transcript NM_006270.5 (MANE Select); coding-DNA position 421, G replaced by A.
Protein change: p.Gly141Arg; replaces glycine 141 with arginine.
Molecular consequence: missense variant.
Genome position (GRCh38, 1-based): chr19:49,636,651, C>T on the plus strand (G>A on the coding strand, the complement: RRAS is on the minus strand). VCF-style: chr19-49636651-C-T. GRCh37 (hg19) VCF-style: chr19-50139908-C-T.
Other names: short protein forms G141R.
Identifiers: ClinVar variation 928937 (VCV000928937.3), dbSNP rs373485975, ClinGen allele CA9579026.
Genomic context (GRCh38, chr19:49,636,651, plus strand): 5'-GGTCCCCAGAAAGAGGGGTGTCCCGAACCTGGCGCTGTGACTCCAGATCTGCCTTGTTCC[C>T]GACCAACACAACGGGGAAGTCGTCGCGGTCCTTGACCCGCAGAATCTGCGTGAAGAGCTT-3'
Protein context (NP_006261.1, residues 131-151): DRDDFPVVLV[Gly141Arg]NKADLESQRQ

ClinVar aggregate classification (germline): Uncertain significance. Review status: criteria provided, multiple submitters, no conflicts (2 of 4 stars). 2 submissions from 2 submitters: Uncertain significance (2). Last evaluated 2024-08-07.

Conditions:
Noonan syndrome (NS). Also called: Noonan's syndrome. Identifiers: Orphanet 648, MedGen C0028326, MeSH D009634, MONDO:0018997. Disease mechanism: gain of function.

Allele frequency attached by ClinVar (database versions not stated): gnomAD 0.00001; gnomAD exomes 0.00002 and 0.00003; TOPMed 0.00003; ExAC 0.00005; ESP Exome Variant Server 0.00008.
gnomAD v4.1: 28 of 1,613,938 alleles (0.0017%); highest among the groups gnomAD compares: African/African-American, 0.004%; no homozygotes.

Submissions (2):

Labcorp Genetics (formerly Invitae), Labcorp
Classification: Uncertain significance for Noonan syndrome. Last evaluated: 2024-08-07. Review status: criteria provided, single submitter. Criteria: Invitae Variant Classification Sherloc (09022015). Collection method: clinical testing. Allele origin: germline.
Comment: This sequence change replaces glycine, which is neutral and non-polar, with arginine, which is basic and polar, at codon 141 of the RRAS protein (p.Gly141Arg). This variant is present in population databases (rs373485975, gnomAD 0.008%). This variant has not been reported in the literature in individuals affected with RRAS-related conditions. ClinVar contains an entry for this variant (Variation ID: 928937). An algorithm developed to predict the effect of missense changes on protein structure and function (PolyPhen-2) suggests that this variant is likely to be disruptive. In summary, the available evidence is currently insufficient to determine the role of this variant in disease. Therefore, it has been classified as a Variant of Uncertain Significance.

Women's Health and Genetics/Laboratory Corporation of America, LabCorp
Classification: Uncertain significance. Last evaluated: 2019-09-25. Review status: criteria provided, single submitter. Criteria: LabCorp Variant Classification Summary - May 2015. Collection method: clinical testing. Allele origin: germline.
Comment: Variant summary: RRAS c.421G>A (p.Gly141Arg) results in a non-conservative amino acid change located in the small GTP binding protein domain of the encoded protein sequence. Five of five in-silico tools predict a damaging effect of the variant on protein function. The variant allele was found at a frequency of 2.8e-05 in 251260 control chromosomes. The available data on variant occurrences in the general population are insufficient to allow any conclusion about variant significance. To our knowledge, no occurrence of c.421G>A in individuals affected with Noonan Syndrome and Related Conditions and no experimental evidence demonstrating its impact on protein function have been reported. No clinical diagnostic laboratories have submitted clinical-significance assessments for this variant to ClinVar after 2014. Based on the evidence outlined above, the variant was classified as uncertain significance.